The following is an entry in ClinVar:

NM_005276.4(GPD1):c.219+1G>A

Gene: GPD1 (glycerol-3-phosphate dehydrogenase 1; plus strand). Cytogenetic location: 12q13.12.
Variant type: single nucleotide variant.
Coding change: c.219+1G>A on transcript NM_005276.4 (MANE Select); the canonical splice donor site of the intron after coding-DNA position 219, G replaced by A.
Molecular consequence: splice donor variant.
Genome position (GRCh38, 1-based): chr12:50,104,752, G>A. VCF-style: chr12-50104752-G-A. GRCh37 (hg19) VCF-style: chr12-50498535-G-A.
Other names: c.219+1G>A (NM_001257199.2).
Identifiers: ClinVar variation 1687411 (VCV001687411.1), dbSNP rs2137920321, ClinGen allele CA384799980.

ClinVar aggregate classification (germline): Pathogenic (1 of 4 stars; one submission).

Conditions:
Transient infantile hypertriglyceridemia and hepatosteatosis. Identifiers: Orphanet 300293, MedGen C3280953, MONDO:0013771, OMIM 614480.

Allele frequency attached by ClinVar (database versions not stated): gnomAD exomes below 0.00001.

Submission:

3billion
Classification: Pathogenic for Transient infantile hypertriglyceridemia and hepatosteatosis. Last evaluated: 2022-05-22. Review status: criteria provided, single submitter. Criteria: ACMG Guidelines, 2015. Collection method: clinical testing. Allele origin: germline. Affected: yes. Observed: 1 homozygote.
Comment: The variant is not observed in the gnomAD v2.1.1 dataset. Canonical splice site: predicted to alter splicing and result in a loss or disruption of normal protein function. Multiple pathogenic loss-of-function variants are reported downstream of the variant. A 3-base deletion variant at the same location has been reported as likely pathogenic (ClinVar ID: VCV001184562.1). Therefore, this variant is classified as pathogenic according to the recommendation of ACMG/AMP guideline.